The following is an entry in ClinVar:

ClinVar aggregate classification (germline): Uncertain significance (1 of 4 stars; one submission).

Submission:

GeneDx
Classification: Uncertain significance. Last evaluated: 2021-06-02. Review status: criteria provided, single submitter. Criteria: GeneDx Variant Classification Process June 2021. Collection method: clinical testing. Allele origin: germline. Affected: yes.
Comment: Not observed at significant frequency in large population cohorts (Lek et al., 2016); Canonical splice site variant in a gene for which loss-of-function is not a known mechanism of disease; Has not been previously published as pathogenic or benign to our knowledge; This variant is associated with the following publications: (PMID: 27535533)

NM_021625.5(TRPV4):c.1492-1_1497delinsCCT

Gene: TRPV4 (transient receptor potential cation channel subfamily V member 4; minus strand). Cytogenetic location: 12q24.11.
Variant type: Indel.
Coding change: c.1492-1_1497delinsCCT on transcript NM_021625.5 (MANE Select); the canonical splice acceptor site of the intron before coding-DNA position 1492 through coding-DNA position 1497, GCCGCCG replaced by CCT.
Molecular consequence: splice acceptor variant.
Genome position (GRCh38, 1-based): chr12:109,794,017-109,794,023, CGGCGGC replaced by AGG on the plus strand (GCCGCCG replaced by CCT on the coding strand, the reverse complement: TRPV4 is on the minus strand). VCF-style: chr12-109794017-CGGCGGC-AGG. GRCh37 (hg19) VCF-style: chr12-110231822-CGGCGGC-AGG.
Other names: c.1492-1_1497delGCCGCCGinsCCT (NM_021625.4); c.1171-1_1176delinsCCT (NM_001177433.1); c.1351-1_1356delinsCCT (NM_001177428.1); c.1312-1_1317delinsCCT (NM_147204.2); c.1390-1_1395delinsCCT (NM_001177431.1).
Identifiers: ClinVar variation 453195 (VCV000453195.3), dbSNP rs1555206481, ClinGen allele CA658656315.